The following is an entry in ClinVar:

NM_000719.7(CACNA1C):c.618G>A (p.Gly206=)

Gene: CACNA1C (calcium voltage-gated channel subunit alpha1 C; plus strand). Cytogenetic location: 12p13.33.
Variant type: single nucleotide variant.
Coding change: c.618G>A on transcript NM_000719.7 (MANE Select); coding-DNA position 618, G replaced by A.
Protein change: p.Gly206=; no amino-acid change (glycine 206 retained).
Molecular consequence: synonymous variant.
Genome position (GRCh38, 1-based): chr12:2,457,567, G>A. VCF-style: chr12-2457567-G-A. GRCh37 (hg19) VCF-style: chr12-2566733-G-A.
Other names: p.G206G:GGG>GGA; c.618G>A, p.Gly206= (NM_001129827.2, NM_001129829.2, NM_001129830.3 and 19 more transcripts).
Identifiers: ClinVar variation 136611 (VCV000136611.33), dbSNP rs200602896, ClinGen allele CA289788.

ClinVar aggregate classification (germline): Benign/Likely benign. Review status: criteria provided, multiple submitters, no conflicts (2 of 4 stars). 7 submissions from 7 submitters: Benign (2); Likely benign (4). 1 of the submissions does not count toward it. Last evaluated 2026-01-26.

Conditions:
CACNA1C-related disorder. Also called: CACNA1C-related disorders; CACNA1C-related condition. Identifiers: MedGen CN381092, MONDO:0700321.
Cardiovascular phenotype. Identifiers: MedGen CN230736.
Long QT syndrome (LQTS). Identifiers: MedGen C0023976, MeSH D008133, MONDO:0002442. Disease mechanism: loss of function. Inheritance: Various modes of inheritance.

Allele frequency attached by ClinVar (database versions not stated): ExAC 0.00001; gnomAD exomes 0.00009; gnomAD 0.00023 and 0.00025; TOPMed 0.00029.
gnomAD v4.1: 102 of 1,610,800 alleles (0.0063%); highest among the groups gnomAD compares: Admixed American, 0.069%; no homozygotes.

Submissions (7):

Labcorp Genetics (formerly Invitae), Labcorp
Classification: Likely benign for Long QT syndrome. Last evaluated: 2026-01-26. Review status: criteria provided, single submitter. Criteria: Invitae Variant Classification Sherloc (09022015). Collection method: clinical testing. Allele origin: germline.

CeGaT Center for Human Genetics Tuebingen
Classification: Likely benign. Last evaluated: 2024-07-01. Review status: criteria provided, single submitter. Criteria: CeGaT Center For Human Genetics Tuebingen Variant Classification Criteria Version 2. Collection method: clinical testing. Allele origin: germline. Affected: yes. Observed: 1 variant allele.
Comment: CACNA1C: BP4

Ambry Genetics
Classification: Likely benign for Cardiovascular phenotype. Last evaluated: 2023-11-14. Review status: criteria provided, single submitter. Criteria: Ambry Variant Classification Scheme 2023. Collection method: clinical testing. Allele origin: germline.

Women's Health and Genetics/Laboratory Corporation of America, LabCorp
Classification: Benign. Last evaluated: 2022-04-11. Review status: criteria provided, single submitter. Criteria: LabCorp Variant Classification Summary - May 2015. Collection method: clinical testing. Allele origin: germline.
Comment: Variant summary: CACNA1C c.618G>A (p.Gly206Gly) alters a conserved nucleotide located close to a canonical splice site and therefore could affect mRNA splicing, leading to a significantly altered protein sequence. 4/4 computational tools predict no significant impact on normal splicing. However, these predictions have yet to be confirmed by functional studies. The variant allele was found at a frequency of 8.9e-05 in 246334 control chromosomes (gnomAD), predominantly at a frequency of 0.00051 within the Latino subpopulation in the gnomAD database. The observed variant frequency within Latino control individuals in the gnomAD database is approximately 51 fold of the estimated maximal expected allele frequency for a pathogenic variant in CACNA1C causing the Timothy Syndrome phenotype (1e-05), strongly suggesting that the variant is a benign polymorphism found primarily in populations of Latino origin. To our knowledge, no occurrence of c.618G>A in individuals affected with Timothy Syndrome and no experimental evidence demonstrating its impact on protein function have been reported. One ClinVar submitter has assessed the variant since 2014: the variant was classified as likely benign. Based on the evidence outlined above, the variant was classified as benign.

GeneDx
Classification: Benign. Last evaluated: 2014-04-24. Review status: criteria provided, single submitter. Criteria: GeneDx Variant Classification (06012015). Collection method: clinical testing. Allele origin: germline. Affected: yes.
Comment: This variant is considered likely benign or benign based on one or more of the following criteria: it is a conservative change, it occurs at a poorly conserved position in the protein, it is predicted to be benign by multiple in silico algorithms, and/or has population frequency not consistent with disease.

Breakthrough Genomics
Classification: Likely benign. Review status: criteria provided, single submitter. Criteria: ACMG Guidelines, 2015. Collection method: not provided. Allele origin: germline. Inheritance: Autosomal dominant inheritance. Affected: yes.

PreventionGenetics, part of Exact Sciences
Classification: Likely benign for CACNA1C-related condition. Last evaluated: 2022-08-24. Review status: no assertion criteria provided. Collection method: clinical testing. Allele origin: germline. Not counted in ClinVar's aggregate classification.
Comment: This variant is classified as likely benign based on ACMG/AMP sequence variant interpretation guidelines (Richards et al. 2015 PMID: 25741868, with internal and published modifications).